The following is an entry in ClinVar:

NM_001329943.3(KIAA0586):c.3871C>T (p.Pro1291Ser)

Gene: KIAA0586 (KIAA0586; plus strand). Cytogenetic location: 14q23.1.
Variant type: single nucleotide variant.
Coding change: c.3871C>T on transcript NM_001329943.3 (MANE Select); coding-DNA position 3871, C replaced by T.
Protein change: p.Pro1291Ser; replaces proline 1291 with serine.
Molecular consequence: missense variant. On other transcripts: intron variant (1).
Genome position (GRCh38, 1-based): chr14:58,492,156, C>T. VCF-style: chr14-58492156-C-T. GRCh37 (hg19) VCF-style: chr14-58958874-C-T.
Other names: c.4030C>T, p.Pro1344Ser (NM_001244189.2); c.3826C>T, p.Pro1276Ser (NM_001244190.2); c.3616C>T, p.Pro1206Ser (NM_001244191.2, NM_001329945.2, NM_001364700.1 and 1 more transcripts); c.3739C>T, p.Pro1247Ser (NM_001244192.2); c.3451C>T, p.Pro1151Ser (NM_001244193.2); c.3871C>T, p.Pro1291Ser (NM_001329944.2, NM_001329946.2); c.3643C>T, p.Pro1215Ser (NM_014749.5); c.3858+1916C>T (NM_001329947.2); short protein forms P1276S, P1291S, P1206S, P1215S, P1344S, P1151S, P1247S.
Identifiers: ClinVar variation 1932958 (VCV001932958.5), dbSNP rs1469360496, ClinGen allele CA389884260.

ClinVar aggregate classification (germline): Uncertain significance (1 of 4 stars; one submission).

Conditions:
Short-rib thoracic dysplasia 14 with polydactyly (SRTD14). Identifiers: Orphanet 397715, MedGen C4225286, MONDO:0014688, OMIM 616546.
Joubert syndrome 23 (JBTS23). Identifiers: Orphanet 475, MedGen C4084822, MONDO:0014664, OMIM 616490.

Allele frequency attached by ClinVar (database versions not stated): gnomAD exomes below 0.00001.
gnomAD v4.1: 2 of 1,537,204 alleles (0.00013%); highest among the groups gnomAD compares: Non-Finnish European, 0.00018%; no homozygotes.

Submission:

Labcorp Genetics (formerly Invitae), Labcorp
Classification: Uncertain significance for Joubert syndrome 23; Short-rib thoracic dysplasia 14 with polydactyly. Last evaluated: 2024-04-16. Review status: criteria provided, single submitter. Criteria: Invitae Variant Classification Sherloc (09022015). Collection method: clinical testing. Allele origin: germline.
Comment: This sequence change replaces proline, which is neutral and non-polar, with serine, which is neutral and polar, at codon 1344 of the KIAA0586 protein (p.Pro1344Ser). This variant is not present in population databases (gnomAD no frequency). This variant has not been reported in the literature in individuals affected with KIAA0586-related conditions. ClinVar contains an entry for this variant (Variation ID: 1932958). Advanced modeling of protein sequence and biophysical properties (such as structural, functional, and spatial information, amino acid conservation, physicochemical variation, residue mobility, and thermodynamic stability) has been performed at Invitae for this missense variant, however the output from this modeling did not meet the statistical confidence thresholds required to predict the impact of this variant on KIAA0586 protein function. In summary, the available evidence is currently insufficient to determine the role of this variant in disease. Therefore, it has been classified as a Variant of Uncertain Significance.